The following is an entry in ClinVar:

ClinVar aggregate classification (germline): Likely benign. Review status: criteria provided, multiple submitters, no conflicts (2 of 4 stars). 2 submissions from 2 submitters: Likely benign (2). Last evaluated 2026-07-18.

Conditions:
Epidermolysis bullosa simplex, Ogna type (EBS5A). Also called: Pidermolysis bullosa simplex 5A, Ogna type; EPIDERMOLYSIS BULLOSA SIMPLEX 5A, OGNA TYPE. Identifiers: Orphanet 79401, MedGen C0432317, MONDO:0007555, OMIM 131950.
Epidermolysis bullosa simplex with nail dystrophy (EBS5D). Identifiers: MedGen C4225309, MONDO:0014661, OMIM 616487.
Autosomal recessive limb-girdle muscular dystrophy type 2Q (LGMDR17). Also called: MUSCULAR DYSTROPHY, LIMB-GIRDLE, AUTOSOMAL RECESSIVE 17. Identifiers: Orphanet 254361, MedGen C3150989, MONDO:0013390, OMIM 613723.
Epidermolysis bullosa simplex 5B, with muscular dystrophy (EBS5B). Also called: EPIDERMOLYSIS BULLOSA SIMPLEX AND LIMB-GIRDLE MUSCULAR DYSTROPHY; Epidermolysis bullosa simplex with muscular dystrophy. Identifiers: Orphanet 257, MedGen C2931072, MONDO:0009181, OMIM 226670.
Epidermolysis bullosa simplex 5C, with pyloric atresia (EBS5C). Also called: Epidermolysis bullosa simplex with pyloric atresia; PLEC1-Related Epidermolysis Bullosa with Pyloric Atresia; PLEC-Related Epidermolysis Bullosa with Pyloric Atresia. Identifiers: Orphanet 158684, MedGen C2677349, MONDO:0012807, OMIM 612138.
PLEC-related disorder. Also called: PLEC-related condition; PLEC-related disorders.

Allele frequency attached by ClinVar (database versions not stated): gnomAD exomes below 0.00001 and 0.00001; gnomAD 0.00005 and 0.00007.
gnomAD v4.1: 14 of 1,611,296 alleles (0.00087%); highest among the groups gnomAD compares: Admixed American, 0.018%; 1 homozygote.

Submissions (2):

PreventionGenetics, part of Exact Sciences
Classification: Likely benign for PLEC-related condition. Last evaluated: 2026-07-18. Review status: criteria provided, single submitter. Criteria: ACMG Guidelines, 2015. Collection method: clinical testing. Allele origin: germline.
Comment: This variant is classified as likely benign based on ACMG/AMP sequence variant interpretation guidelines (Richards et al. 2015 PMID: 25741868, with internal and published modifications).

Labcorp Genetics (formerly Invitae), Labcorp
Classification: Likely benign for Autosomal recessive limb-girdle muscular dystrophy type 2Q; Epidermolysis bullosa simplex, Ogna type; Epidermolysis bullosa simplex with nail dystrophy; Epidermolysis bullosa simplex 5C, with pyloric atresia; Epidermolysis bullosa simplex 5B, with muscular dystrophy. Last evaluated: 2025-08-12. Review status: criteria provided, single submitter. Criteria: Invitae Variant Classification Sherloc (09022015). Collection method: clinical testing. Allele origin: germline.

NM_201384.3(PLEC):c.891C>T (p.His297=)

Gene: PLEC (plectin; minus strand). Cytogenetic location: 8q24.3.
Variant type: single nucleotide variant.
Coding change: c.891C>T on transcript NM_201384.3 (MANE Select); coding-DNA position 891, C replaced by T.
Protein change: p.His297=; no amino-acid change (histidine 297 retained).
Molecular consequence: synonymous variant.
Genome position (GRCh38, 1-based): chr8:143,934,864, G>A on the plus strand (C>T on the coding strand, the complement: PLEC is on the minus strand). VCF-style: chr8-143934864-G-A. GRCh37 (hg19) VCF-style: chr8-145009032-G-A.
Other names: c.972C>T, p.His324= (NM_000445.5); c.849C>T, p.His283= (NM_201378.4); c.825C>T, p.His275= (NM_201379.3); c.1302C>T, p.His434= (NM_201380.4); c.795C>T, p.His265= (NM_201381.3); c.891C>T, p.His297= (NM_201382.4); c.903C>T, p.His301= (NM_201383.3); c.972C>T (NM_000445.4).
Identifiers: ClinVar variation 1588221 (VCV001588221.9), dbSNP rs1554721471, ClinGen allele CA463537334.